The following is an entry in ClinVar:

NM_003000.3(SDHB):c.781A>C (p.Lys261Gln)

Gene: SDHB (succinate dehydrogenase complex iron sulfur subunit B; minus strand). Cytogenetic location: 1p36.13.
Variant type: single nucleotide variant.
Coding change: c.781A>C on transcript NM_003000.3 (MANE Select); coding-DNA position 781, A replaced by C.
Protein change: p.Lys261Gln; replaces lysine 261 with glutamine.
Molecular consequence: missense variant.
Genome position (GRCh38, 1-based): chr1:17,018,943, T>G on the plus strand (A>C on the coding strand, the complement: SDHB is on the minus strand). VCF-style: chr1-17018943-T-G. GRCh37 (hg19) VCF-style: chr1-17345438-T-G.
Other names: c.727A>C, p.Lys243Gln (NM_001407361.1); short protein forms K243Q, K261Q.
Identifiers: ClinVar variation 1760756 (VCV001760756.3), dbSNP rs2524995106, ClinGen allele CA338268986.

ClinVar aggregate classification (germline): Uncertain significance (1 of 4 stars; one submission).

Conditions:
Hereditary cancer-predisposing syndrome. Also called: Neoplastic Syndromes, Hereditary; Tumor predisposition; Hereditary Cancer Syndrome; Hereditary neoplastic syndrome. Identifiers: Orphanet 140162, MedGen C0027672, MeSH D009386, MONDO:0015356.

Submission:

Ambry Genetics
Classification: Uncertain significance for Hereditary cancer-predisposing syndrome. Last evaluated: 2023-08-01. Review status: criteria provided, single submitter. Criteria: Ambry Variant Classification Scheme 2023. Collection method: clinical testing. Allele origin: germline.
Comment: The p.K261Q variant (also known as c.781A>C), located in coding exon 8 of the SDHB gene, results from an A to C substitution at nucleotide position 781. The lysine at codon 261 is replaced by glutamine, an amino acid with similar properties. This amino acid position is highly conserved in available vertebrate species. In addition, this alteration is predicted to be deleterious by in silico analysis. Since supporting evidence is limited at this time, the clinical significance of this alteration remains unclear.